The following is an entry in ClinVar:

NM_007272.3(CTRC):c.480G>A (p.Trp160Ter)

Gene: CTRC (chymotrypsin C; plus strand). Cytogenetic location: 1p36.21.
Variant type: single nucleotide variant.
Coding change: c.480G>A on transcript NM_007272.3 (MANE Select); coding-DNA position 480, G replaced by A.
Protein change: p.Trp160Ter; replaces tryptophan 160 with a stop codon.
Molecular consequence: nonsense.
Genome position (GRCh38, 1-based): chr1:15,443,542, G>A. VCF-style: chr1-15443542-G-A. GRCh37 (hg19) VCF-style: chr1-15770037-G-A.
Other names: short protein forms W160*.
Identifiers: ClinVar variation 2882527 (VCV002882527.3), dbSNP rs2526297442, ClinGen allele CA338566283.

ClinVar aggregate classification (germline): Conflicting classifications of pathogenicity. Review status: criteria provided, conflicting classifications (1 of 4 stars). 2 submissions from 2 submitters: Pathogenic (1); Uncertain significance (1). Last evaluated 2023-08-30.

Conditions:
Hereditary pancreatitis (PCTT). Also called: PRSS1-Related Hereditary Pancreatitis; Hereditary chronic pancreatitis. Identifiers: Orphanet 676, MedGen C0238339, MONDO:0008185, OMIM 167800.

Allele frequency attached by ClinVar (database versions not stated): gnomAD exomes below 0.00001.
gnomAD v4.1: 2 of 1,614,216 alleles (0.00012%); highest among the groups gnomAD compares: Non-Finnish European, 0.000085%; no homozygotes.

Submissions (2):

Labcorp Genetics (formerly Invitae), Labcorp
Classification: Uncertain significance for Hereditary pancreatitis. Last evaluated: 2023-08-30. Review status: criteria provided, single submitter. Criteria: Invitae Variant Classification Sherloc (09022015). Collection method: clinical testing. Allele origin: germline.
Comment: This sequence change creates a premature translational stop signal (p.Trp160*) in the CTRC gene. It is expected to result in an absent or disrupted protein product. However, the current clinical and genetic evidence is not sufficient to establish whether loss-of-function variants in CTRC cause disease. This variant is not present in population databases (gnomAD no frequency). This variant has not been reported in the literature in individuals affected with CTRC-related conditions. In summary, the available evidence is currently insufficient to determine the role of this variant in disease. Therefore, it has been classified as a Variant of Uncertain Significance.

ARUP Laboratories, Molecular Genetics and Genomics, ARUP Laboratories
Classification: Pathogenic for Hereditary pancreatitis. Last evaluated: 2023-05-09. Review status: criteria provided, single submitter. Criteria: ARUP Molecular Germline Variant Investigation Process 2024. Collection method: clinical testing. Allele origin: germline.
Comment: The CTRC c.480G>A; p.Trp160Ter variant, to our knowledge, is not reported in the medical literature or gene specific databases. This variant is also absent from the Genome Aggregation Database, indicating it is not a common polymorphism. This variant induces an early termination codon and is predicted to result in a truncated protein or mRNA subject to nonsense-mediated decay. This variant induces an early termination codon and is predicted to result in a truncated protein or mRNA subject to nonsense-mediated decay. Based on available information, this variant is considered to be pathogenic.